The following is an entry in ClinVar:

NM_053025.4(MYLK):c.2898C>T (p.Pro966=)

Gene: MYLK (myosin light chain kinase; minus strand). Cytogenetic location: 3q21.1.
Variant type: single nucleotide variant.
Coding change: c.2898C>T on transcript NM_053025.4 (MANE Select); coding-DNA position 2898, C replaced by T.
Protein change: p.Pro966=; no amino-acid change (proline 966 retained).
Molecular consequence: synonymous variant.
Genome position (GRCh38, 1-based): chr3:123,700,570, G>A on the plus strand (C>T on the coding strand, the complement: MYLK is on the minus strand). VCF-style: chr3-123700570-G-A. GRCh37 (hg19) VCF-style: chr3-123419417-G-A.
Other names: c.2370C>T, p.Pro790= (NM_001321309.2); c.2691C>T, p.Pro897= (NM_053026.4, NM_053028.4); c.2898C>T, p.Pro966= (NM_053027.4).
Identifiers: ClinVar variation 415760 (VCV000415760.18), dbSNP rs753785049, ClinGen allele CA069127.
Genomic context (GRCh38, chr3:123,700,570, plus strand): 5'-ACCCAGCACTGAGCGAAAATCCGGGGTGGCAGGTTTTGGCGGTGGCACCTTCTCAGGCAC[G>A]GGGGTCTTGGAAGTCCCCTTCTTGGCCAGGACAGAGCGAAAATCGACCTGCTGGGGGCTG-3'
Protein context (NP_444253.3, residues 956-976): VLAKKGTSKT[Pro966=]VPEKVPPPKP

ClinVar aggregate classification (germline): Likely benign. Review status: criteria provided, multiple submitters, no conflicts (2 of 4 stars). 5 submissions from 5 submitters: Likely benign (5). Last evaluated 2026-08-01.

Conditions:
Aortic aneurysm, familial thoracic 7 (AAT7). Also called: AORTIC DISSECTION, FAMILIAL, WITH OR WITHOUT AORTIC ANEURYSM. Identifiers: MedGen C3151077, MONDO:0013418, OMIM 613780.
Familial thoracic aortic aneurysm and aortic dissection (TAAD). Also called: Thoracic aortic aneurysms and dissections. Identifiers: Orphanet 91387, MedGen C4707243, MONDO:0019625.

Allele frequency attached by ClinVar (database versions not stated): ExAC 0.00002; gnomAD exomes 0.00002 and 0.00003; gnomAD 0.00012; TOPMed 0.00022.
gnomAD v4.1: 54 of 1,613,402 alleles (0.0033%); highest among the groups gnomAD compares: Admixed American, 0.045%; no homozygotes.

Submissions (5):

CeGaT Center for Human Genetics Tuebingen
Classification: Likely benign. Last evaluated: 2026-08-01. Review status: criteria provided, single submitter. Criteria: CeGaT Center For Human Genetics Tuebingen Variant Classification Criteria Version 2. Collection method: clinical testing. Allele origin: germline. Affected: yes. Observed: 1 variant allele.
Comment: MYLK: BP4, BP7

Labcorp Genetics (formerly Invitae), Labcorp
Classification: Likely benign for Aortic aneurysm, familial thoracic 7. Last evaluated: 2025-12-17. Review status: criteria provided, single submitter. Criteria: Invitae Variant Classification Sherloc (09022015). Collection method: clinical testing. Allele origin: germline.

GeneDx
Classification: Likely benign. Last evaluated: 2020-12-15. Review status: criteria provided, single submitter. Criteria: GeneDx Variant Classification Process June 2021. Collection method: clinical testing. Allele origin: germline. Affected: yes.

Ambry Genetics
Classification: Likely benign for Familial thoracic aortic aneurysm and aortic dissection. Last evaluated: 2020-12-10. Review status: criteria provided, single submitter. Criteria: Ambry Variant Classification Scheme 2023. Collection method: clinical testing. Allele origin: germline.

Breakthrough Genomics
Classification: Likely benign. Review status: criteria provided, single submitter. Criteria: ACMG Guidelines, 2015. Collection method: not provided. Allele origin: germline. Inheritance: Autosomal recessive inheritance. Affected: yes.